The following is an entry in ClinVar:

ClinVar aggregate classification (germline): Pathogenic (1 of 4 stars; one submission).

Conditions:
3-Methylglutaconic aciduria type 2 (BTHS). Also called: Barth syndrome; CARDIOSKELETAL MYOPATHY WITH NEUTROPENIA AND ABNORMAL MITOCHONDRIA. Identifiers: Orphanet 111, MedGen C0574083, MONDO:0010543, OMIM 302060.

Submission:

Labcorp Genetics (formerly Invitae), Labcorp
Classification: Pathogenic for 3-Methylglutaconic aciduria type 2. Last evaluated: 2022-04-17. Review status: criteria provided, single submitter. Criteria: Invitae Variant Classification Sherloc (09022015). Collection method: clinical testing. Allele origin: germline.
Comment: For these reasons, this variant has been classified as Pathogenic. This variant has not been reported in the literature in individuals affected with TAZ-related conditions. This variant is not present in population databases (gnomAD no frequency). This sequence change creates a premature translational stop signal (p.Phe192Serfs*8) in the TAZ gene. It is expected to result in an absent or disrupted protein product. Loss-of-function variants in TAZ are known to be pathogenic (PMID: 16427346, 22382802, 23409742).

Literature cited by the submitters: PubMed 16427346; PubMed 22382802; PubMed 23409742.

NM_000116.5(TAFAZZIN):c.575del (p.Phe192fs)

Gene: TAFAZZIN (tafazzin, phospholipid-lysophospholipid transacylase; plus strand). Cytogenetic location: Xq28.
Variant type: Deletion.
Coding change: c.575del on transcript NM_000116.5 (MANE Select); coding-DNA position 575, one base deleted (T; older notation c.575delT).
Protein change: p.Phe192fs; shifts the reading frame from phenylalanine 192.
Molecular consequence: frameshift variant. On other transcripts: non-coding transcript variant (1), intron variant (3).
Genome position (GRCh38, 1-based): chrX:154,419,738, T deleted; the last of 3 consecutive T bases (chrX:154,419,736-154,419,738); deleting any one gives the same sequence. VCF-style (leftmost placement, unchanged base first): chrX-154419735-GT-G. GRCh37 (hg19) VCF-style: chrX-153648074-GT-G.
Other names: c.539delT, p.Phe180Serfs (NM_001410698.1); c.485del, p.Phe162fs (NM_181311.4); c.595+115del (NM_001303465.2); c.541+115del (NM_181312.4); c.451+115del (NM_181313.4); short protein forms F162fs, F192fs.
Identifiers: ClinVar variation 2127122 (VCV002127122.4), dbSNP rs2522987020, ClinGen allele CA2580101825.